The following is an entry in ClinVar:

NM_172240.3(POC1B):c.854T>C (p.Phe285Ser)

Genes: POC1B (POC1 centriolar protein B; minus strand), POC1B-DUSP6 (POC1B-DUSP6 readthrough; minus strand). Cytogenetic location: 12q21.33.
Variant type: single nucleotide variant.
Coding change: c.854T>C on transcript NM_172240.3 (MANE Select); coding-DNA position 854, T replaced by C.
Protein change: p.Phe285Ser; replaces phenylalanine 285 with serine.
Molecular consequence: missense variant. On other transcripts: non-coding transcript variant (2).
Genome position (GRCh38, 1-based): chr12:89,467,642, A>G on the plus strand (T>C on the coding strand, the complement: POC1B is on the minus strand). VCF-style: chr12-89467642-A-G. GRCh37 (hg19) VCF-style: chr12-89861419-A-G.
Other names: c.728T>C, p.Phe243Ser (NM_001199777.2); short protein forms F243S, F285S.
Identifiers: ClinVar variation 1405942 (VCV001405942.8), dbSNP rs765377188, ClinGen allele CA385994976.
Genomic context (GRCh38, chr12:89,467,642, plus strand): 5'-AACCAAATCAAAGAGGAGCTGAAAGATTTACAAACCTGTGTGTCTGCACCTCCTGATGCA[A>G]ATAGCTCTCCACCTTTTGAAAATGAAACAGTAAAGACAGGTCCCTGAGAAATAAAGGGAA-3'
Protein context (NP_758440.1, residues 275-295): TVSFSKGGEL[Phe285Ser]ASGGADTQVL

ClinVar aggregate classification (germline): Uncertain significance (1 of 4 stars; one submission).

Submission:

Labcorp Genetics (formerly Invitae), Labcorp
Classification: Uncertain significance. Last evaluated: 2022-11-22. Review status: criteria provided, single submitter. Criteria: Invitae Variant Classification Sherloc (09022015). Collection method: clinical testing. Allele origin: germline.
Comment: This sequence change replaces phenylalanine, which is neutral and non-polar, with serine, which is neutral and polar, at codon 285 of the POC1B protein (p.Phe285Ser). This variant is not present in population databases (gnomAD no frequency). In summary, the available evidence is currently insufficient to determine the role of this variant in disease. Therefore, it has been classified as a Variant of Uncertain Significance. Advanced modeling of protein sequence and biophysical properties (such as structural, functional, and spatial information, amino acid conservation, physicochemical variation, residue mobility, and thermodynamic stability) performed at Invitae indicates that this missense variant is expected to disrupt POC1B protein function. ClinVar contains an entry for this variant (Variation ID: 1405942). This variant has not been reported in the literature in individuals affected with POC1B-related conditions.